The following is an entry in ClinVar:

NM_014806.5(RUSC2):c.2440C>G (p.Leu814Val)

Gene: RUSC2 (RUN and SH3 domain containing 2; plus strand). Cytogenetic location: 9p13.3.
Variant type: single nucleotide variant.
Coding change: c.2440C>G on transcript NM_014806.5 (MANE Select); coding-DNA position 2440, C replaced by G.
Protein change: p.Leu814Val; replaces leucine 814 with valine.
Molecular consequence: missense variant. On other transcripts: 5 prime UTR variant (1), non-coding transcript variant (1).
Genome position (GRCh38, 1-based): chr9:35,555,485, C>G. VCF-style: chr9-35555485-C-G. GRCh37 (hg19) VCF-style: chr9-35555482-C-G.
Other names: c.2440C>G, p.Leu814Val (NM_001135999.2); c.-195C>G (NM_001330740.2); short protein forms L814V.
Identifiers: ClinVar variation 1415266 (VCV001415266.5), dbSNP rs139662477, ClinGen allele CA5043867.
Genomic context (GRCh38, chr9:35,555,485, plus strand): 5'-GACTCTTCTGCCTCCACTTCGTGCTCCCCTCCCCCAGAGCAGCCCACAGCCACAGAAAGC[C>G]TGCCCCCATGGAGCCACTCCTGTCCTTCTGCTGTCCGGCCTGCCACCTCCCAGCAGCCGC-3'
Protein context (NP_055621.2, residues 804-824): PPEQPTATES[Leu814Val]PPWSHSCPSA

ClinVar aggregate classification (germline): Uncertain significance (1 of 4 stars; one submission).

Allele frequency attached by ClinVar (database versions not stated): gnomAD exomes below 0.00001 and 0.00001; TOPMed below 0.00001; ExAC 0.00001; ESP Exome Variant Server 0.00015.
gnomAD v4.1: 12 of 1,614,216 alleles (0.00074%); highest among the groups gnomAD compares: Non-Finnish European, 0.00093%; no homozygotes.

Submission:

Labcorp Genetics (formerly Invitae), Labcorp
Classification: Uncertain significance. Last evaluated: 2023-10-13. Review status: criteria provided, single submitter. Criteria: Invitae Variant Classification Sherloc (09022015). Collection method: clinical testing. Allele origin: germline.
Comment: This sequence change replaces leucine, which is neutral and non-polar, with valine, which is neutral and non-polar, at codon 814 of the RUSC2 protein (p.Leu814Val). This variant is present in population databases (rs139662477, gnomAD 0.0009%). This variant has not been reported in the literature in individuals affected with RUSC2-related conditions. ClinVar contains an entry for this variant (Variation ID: 1415266). An algorithm developed to predict the effect of missense changes on protein structure and function (PolyPhen-2) suggests that this variant¬†is likely to be tolerated. In summary, the available evidence is currently insufficient to determine the role of this variant in disease. Therefore, it has been classified as a Variant of Uncertain Significance.